The following is an entry in ClinVar:

ClinVar aggregate classification (germline): Benign. Review status: criteria provided, multiple submitters, no conflicts (2 of 4 stars). 2 submissions from 2 submitters: Benign (2). Last evaluated 2026-01-28.

Conditions:
Knobloch syndrome (KNO). Also called: RETINAL DETACHMENT AND OCCIPITAL ENCEPHALOCELE; Myopia retinal detachment encephalocele. Identifiers: Orphanet 1571, MedGen C1849409, MONDO:0800166.

Allele frequency attached by ClinVar (database versions not stated): ESP Exome Variant Server 0.00300; TOPMed 0.00325; 1000 Genomes Project 0.00419; 1000 Genomes Project 30x 0.00453.
gnomAD v4.1: 3,401 of 1,597,882 alleles (0.21%); highest among the groups gnomAD compares: South Asian, 0.97%; 20 homozygotes.

Submissions (2):

Labcorp Genetics (formerly Invitae), Labcorp
Classification: Benign. Last evaluated: 2026-01-28. Review status: criteria provided, single submitter. Criteria: Invitae Variant Classification Sherloc (09022015). Collection method: clinical testing. Allele origin: germline.

Illumina Laboratory Services, Illumina
Classification: Benign for Knobloch syndrome 1. Last evaluated: 2018-01-13. Review status: criteria provided, single submitter. Criteria: ICSL Variant Classification Criteria 13 December 2019. Collection method: clinical testing. Allele origin: germline.
Comment: This variant was observed in the ICSL laboratory as part of a predisposition screen in an ostensibly healthy population. It had not been previously curated by ICSL or reported in the Human Gene Mutation Database (HGMD: prior to June 1st, 2018), and was therefore a candidate for classification through an automated scoring system. Utilizing variant allele frequency, disease prevalence and penetrance estimates, and inheritance mode, an automated score was calculated to assess if this variant is too frequent to cause the disease. Based on the score and internal cut-off values, a variant classified as benign is not then subjected to further curation. The score for this variant resulted in a classification of benign for this disease.

NM_001379500.1(COL18A1):c.2157+14G>A

Gene: COL18A1 (collagen type XVIII alpha 1 chain; plus strand). Cytogenetic location: 21q22.3.
Variant type: single nucleotide variant.
Coding change: c.2157+14G>A on transcript NM_001379500.1 (MANE Select); 14 bases into the intron after coding-DNA position 2157, G replaced by A.
Molecular consequence: intron variant.
Genome position (GRCh38, 1-based): chr21:45,491,328, G>A. VCF-style: chr21-45491328-G-A. GRCh37 (hg19) VCF-style: chr21-46911242-G-A.
Other names: NM_130445.2:c.2157+14G>A; c.3402+14G>A (NM_130444.3); c.2697+14G>A (NM_030582.4).
Identifiers: ClinVar variation 895212 (VCV000895212.12), dbSNP rs200650755, ClinGen allele CA10066837.
Genomic context (GRCh38, chr21:45,491,328, plus strand): 5'-GCCCCCCCGGACCCCCGGGACCTGTGGTCTACGTGTCGGAGCAGGACGTAAGGACGCTGC[G>A]TGGGTGGGCACCCAATCTGTCCAGACCCCCCACGGGGTGCAGAGATCCCTCCCCGAGCCC-3'